The following is an entry in ClinVar:

NM_000215.4(JAK3):c.1551T>A (p.Pro517=)

Gene: JAK3 (Janus kinase 3; minus strand). Cytogenetic location: 19p13.11.
Variant type: single nucleotide variant.
Coding change: c.1551T>A on transcript NM_000215.4 (MANE Select); coding-DNA position 1551, T replaced by A.
Protein change: p.Pro517=; no amino-acid change (proline 517 retained).
Molecular consequence: synonymous variant.
Genome position (GRCh38, 1-based): chr19:17,838,281, A>T on the plus strand (T>A on the coding strand, the complement: JAK3 is on the minus strand). VCF-style: chr19-17838281-A-T. GRCh37 (hg19) VCF-style: chr19-17949090-A-T.
Identifiers: ClinVar variation 328514 (VCV000328514.42), dbSNP rs143936463, ClinGen allele CA9301864.

ClinVar aggregate classification (germline): Conflicting classifications of pathogenicity. Review status: criteria provided, conflicting classifications (1 of 4 stars). 5 submissions from 5 submitters: Uncertain significance (1); Benign (1); Likely benign (3). Last evaluated 2026-02-01.

Conditions:
T-B+ severe combined immunodeficiency due to JAK3 deficiency. Also called: SCID, T CELL-NEGATIVE, B CELL-POSITIVE, NK CELL-NEGATIVE; SCID, autosomal recessive, T-negative/B-positive type. Identifiers: Orphanet 35078, MedGen C1833275, MONDO:0010938, OMIM 600802.

Allele frequency attached by ClinVar (database versions not stated): 1000 Genomes Project 30x 0.00031; 1000 Genomes Project 0.00040; ExAC 0.00054; gnomAD exomes 0.00068; gnomAD 0.00074 and 0.00075; TOPMed 0.00084; ESP Exome Variant Server 0.00123.
gnomAD v4.1: 1,694 of 1,614,120 alleles (0.1%); highest among the groups gnomAD compares: Non-Finnish European, 0.12%; 4 homozygotes.

Submissions (5):

Labcorp Genetics (formerly Invitae), Labcorp
Classification: Benign for T-B+ severe combined immunodeficiency due to JAK3 deficiency. Last evaluated: 2026-02-01. Review status: criteria provided, single submitter. Criteria: Invitae Variant Classification Sherloc (09022015). Collection method: clinical testing. Allele origin: germline.

Women's Health and Genetics/Laboratory Corporation of America, LabCorp
Classification: Likely benign. Last evaluated: 2026-01-23. Review status: criteria provided, single submitter. Criteria: LabCorp Variant Classification Summary - May 2015. Collection method: clinical testing. Allele origin: germline.

Blueprint Genetics
Classification: Likely benign. Last evaluated: 2024-11-06. Review status: criteria provided, single submitter. Criteria: ACMG Guidelines, 2015. Collection method: clinical testing. Allele origin: germline.

CeGaT Center for Human Genetics Tuebingen
Classification: Likely benign. Last evaluated: 2023-11-01. Review status: criteria provided, single submitter. Criteria: CeGaT Center For Human Genetics Tuebingen Variant Classification Criteria Version 2. Collection method: clinical testing. Allele origin: germline. Affected: yes. Observed: 2 variant alleles.
Comment: JAK3: BP4, BP7

Illumina Laboratory Services, Illumina
Classification: Uncertain significance for T-B+ severe combined immunodeficiency due to JAK3 deficiency. Last evaluated: 2018-01-13. Review status: criteria provided, single submitter. Criteria: ICSL Variant Classification Criteria 13 December 2019. Collection method: clinical testing. Allele origin: germline.